The following is an entry in ClinVar:

NM_004371.4(COPA):c.3413C>A (p.Ala1138Asp)

Gene: COPA (coat protein complex I subunit alpha; minus strand). Cytogenetic location: 1q23.2.
Variant type: single nucleotide variant.
Coding change: c.3413C>A on transcript NM_004371.4 (MANE Select); coding-DNA position 3413, C replaced by A.
Protein change: p.Ala1138Asp; replaces alanine 1138 with aspartic acid.
Molecular consequence: missense variant.
Genome position (GRCh38, 1-based): chr1:160,291,342, G>T on the plus strand (C>A on the coding strand, the complement: COPA is on the minus strand). VCF-style: chr1-160291342-G-T. GRCh37 (hg19) VCF-style: chr1-160261132-G-T.
Other names: c.3440C>A, p.Ala1147Asp (NM_001098398.2); short protein forms A1147D, A1138D.
Identifiers: ClinVar variation 2919919 (VCV002919919.3), dbSNP rs368351562, ClinGen allele CA343270590.
Genomic context (GRCh38, chr1:160,291,342, plus strand): 5'-CCATGTAAGAGCTGATCTGGCTTCCCTATGGTCACTGAAGGAGTTCCATCTACCTGTTGG[G>T]CCACCTCAGGCTTGGGCCCGAGTTCTAGTAGGCGCCGAGCAAAGGTGGCAGCTGTCTTGA-3'
Protein context (NP_004362.2, residues 1128-1148): LLELGPKPEV[Ala1138Asp]QQTRKILSAC

ClinVar aggregate classification (germline): Uncertain significance (1 of 4 stars; one submission).

Conditions:
Autoimmune interstitial lung disease-arthritis syndrome. Also called: Autoinflammation and autoimmunity, systemic, with immune dysregulation. Identifiers: Orphanet 444092, MedGen C5975714, MONDO:0014629.

Submission:

Labcorp Genetics (formerly Invitae), Labcorp
Classification: Uncertain significance for Autoimmune interstitial lung disease-arthritis syndrome. Last evaluated: 2023-11-07. Review status: criteria provided, single submitter. Criteria: Invitae Variant Classification Sherloc (09022015). Collection method: clinical testing. Allele origin: germline.
Comment: This sequence change replaces alanine, which is neutral and non-polar, with aspartic acid, which is acidic and polar, at codon 1138 of the COPA protein (p.Ala1138Asp). This variant is not present in population databases (gnomAD no frequency). This variant has not been reported in the literature in individuals affected with COPA-related conditions. Advanced modeling of protein sequence and biophysical properties (such as structural, functional, and spatial information, amino acid conservation, physicochemical variation, residue mobility, and thermodynamic stability) performed at Invitae indicates that this missense variant is expected to disrupt COPA protein function with a positive predictive value of 80%. In summary, the available evidence is currently insufficient to determine the role of this variant in disease. Therefore, it has been classified as a Variant of Uncertain Significance.